The following is an entry in ClinVar:

NM_001042492.3(NF1):c.6656A>T (p.Asp2219Val)

Gene: NF1 (neurofibromin 1; plus strand). Cytogenetic location: 17q11.2.
Variant type: single nucleotide variant.
Coding change: c.6656A>T on transcript NM_001042492.3 (MANE Select); coding-DNA position 6656, A replaced by T.
Protein change: p.Asp2219Val; replaces aspartic acid 2219 with valine.
Molecular consequence: missense variant.
Genome position (GRCh38, 1-based): chr17:31,337,832, A>T. VCF-style: chr17-31337832-A-T. GRCh37 (hg19) VCF-style: chr17-29664850-A-T.
Other names: c.6593A>T, p.Asp2198Val (NM_000267.4); short protein forms D2198V, D2219V.
Identifiers: ClinVar variation 571307 (VCV000571307.6), dbSNP rs1567617676, ClinGen allele CA399013729.

ClinVar aggregate classification (germline): Uncertain significance. Review status: criteria provided, multiple submitters, no conflicts (2 of 4 stars). 2 submissions from 2 submitters: Uncertain significance (2). Last evaluated 2025-03-04.

Conditions:
Cardiovascular phenotype. Identifiers: MedGen CN230736.
Hereditary cancer-predisposing syndrome. Also called: Hereditary neoplastic syndrome; Neoplastic Syndromes, Hereditary; Hereditary Cancer Syndrome; Tumor predisposition. Identifiers: Orphanet 140162, MedGen C0027672, MeSH D009386, MONDO:0015356.
Neurofibromatosis, type 1 (NF1). Also called: Peripheral type neurofibromatosis; VON RECKLINGHAUSEN DISEASE; Neurofibromatosis, type I; NEUROFIBROMATOSIS, TYPE I, SOMATIC. Identifiers: Orphanet 636, MedGen C0027831, MONDO:0018975, OMIM 162200. Disease mechanism: loss of function.

Submissions (2):

Ambry Genetics
Classification: Uncertain significance for Cardiovascular phenotype; Hereditary cancer-predisposing syndrome. Last evaluated: 2025-03-04. Review status: criteria provided, single submitter. Criteria: Ambry Variant Classification Scheme 2023. Collection method: clinical testing. Allele origin: germline.
Comment: The p.D2198V variant (also known as c.6593A>T), located in coding exon 43 of the NF1 gene, results from an A to T substitution at nucleotide position 6593. The aspartic acid at codon 2198 is replaced by valine, an amino acid with highly dissimilar properties. This amino acid position is conserved. In addition, this alteration is predicted to be deleterious by in silico analysis. Based on the available evidence, the clinical significance of this variant remains unclear.

Labcorp Genetics (formerly Invitae), Labcorp
Classification: Uncertain significance for Neurofibromatosis, type 1. Last evaluated: 2018-05-22. Review status: criteria provided, single submitter. Criteria: Invitae Variant Classification Sherloc (09022015). Collection method: clinical testing. Allele origin: germline.
Comment: This sequence change replaces aspartic acid with valine at codon 2198 of the NF1 protein (p.Asp2198Val). The aspartic acid residue is moderately conserved and there is a large physicochemical difference between aspartic acid and valine. This variant is not present in population databases (ExAC no frequency). This variant has not been reported in the literature in individuals with NF1-related disease. Algorithms developed to predict the effect of missense changes on protein structure and function are either unavailable or do not agree on the potential impact of this missense change (SIFT: "Deleterious"; PolyPhen-2: "Probably Damaging"; Align-GVGD: "Class C0"). In summary, the available evidence is currently insufficient to determine the role of this variant in disease. Therefore, it has been classified as a Variant of Uncertain Significance.